The following is an entry in ClinVar:

NM_000062.3(SERPING1):c.685+1G>T

Gene: SERPING1 (serpin family G member 1; plus strand). Cytogenetic location: 11q12.1.
Variant type: single nucleotide variant.
Coding change: c.685+1G>T on transcript NM_000062.3 (MANE Select); the canonical splice donor site of the intron after coding-DNA position 685, G replaced by T.
Molecular consequence: splice donor variant.
Genome position (GRCh38, 1-based): chr11:57,602,170, G>T. VCF-style: chr11-57602170-G-T. GRCh37 (hg19) VCF-style: chr11-57369643-G-T.
Other names: c.685+1G>T (NM_001032295.2).
Identifiers: ClinVar variation 1408660 (VCV001408660.6), dbSNP rs113263597, ClinGen allele CA380697583.

ClinVar aggregate classification (germline): Pathogenic (1 of 4 stars; one submission).

Submission:

Labcorp Genetics (formerly Invitae), Labcorp
Classification: Pathogenic. Last evaluated: 2021-10-20. Review status: criteria provided, single submitter. Criteria: Invitae Variant Classification Sherloc (09022015). Collection method: clinical testing. Allele origin: germline.
Comment: Disruption of this splice site has been observed in individuals with hereditary angioedema (PMID: 18586324; Invitae). For these reasons, this variant has been classified as Pathogenic. Algorithms developed to predict the effect of sequence changes on RNA splicing suggest that this variant may disrupt the consensus splice site. This variant is not present in population databases (ExAC no frequency). This sequence change affects a donor splice site in intron 4 of the SERPING1 gene. It is expected to disrupt RNA splicing. Variants that disrupt the donor or acceptor splice site typically lead to a loss of protein function (PMID: 16199547), and loss-of-function variants in SERPING1 are known to be pathogenic (PMID: 11112899, 24456027).

Literature cited by the submitters: PubMed 18586324; PubMed 16199547; PubMed 11112899; PubMed 24456027.